The following is an entry in ClinVar:

NM_001009944.3(PKD1):c.8505C>T (p.Pro2835=)

Gene: PKD1 (polycystin 1, transient receptor potential channel interacting; minus strand). Cytogenetic location: 16p13.3.
Variant type: single nucleotide variant.
Coding change: c.8505C>T on transcript NM_001009944.3 (MANE Select); coding-DNA position 8505, C replaced by T.
Protein change: p.Pro2835=; no amino-acid change (proline 2835 retained).
Molecular consequence: synonymous variant.
Genome position (GRCh38, 1-based): chr16:2,103,552, G>A on the plus strand (C>T on the coding strand, the complement: PKD1 is on the minus strand). VCF-style: chr16-2103552-G-A. GRCh37 (hg19) VCF-style: chr16-2153553-G-A.
Other names: c.8505C>T, p.Pro2835= (NM_000296.4).
Identifiers: ClinVar variation 4927705 (VCV004927705.2).
Genomic context (GRCh38, chr16:2,103,552, plus strand): 5'-TGTCTGGAATGCCATCGAGGCCACCTTGGTGGAGACGGTGTAGTTGCTGATATAGCCAAA[G>A]GGAAAGGGATTGGAGTCCACCAGAAAGATGAGCTGCACCACGTCACTGAGGTTGGCCAGG-3'
Protein context (NP_001009944.3, residues 2825-2845): LIFLVDSNPF[Pro2835=]FGYISNYTVS

ClinVar aggregate classification (germline): Likely benign. Review status: criteria provided, multiple submitters, no conflicts (2 of 4 stars). 2 submissions from 2 submitters: Likely benign (2). Last evaluated 2026-06-24.

Conditions:
PKD1-related disorder. Also called: PKD1-related condition.

gnomAD v4.1: 48 of 1,609,566 alleles (0.003%); highest among the groups gnomAD compares: Non-Finnish European, 0.0037%; no homozygotes.

Submissions (2):

PreventionGenetics, part of Exact Sciences
Classification: Likely benign for PKD1-related condition. Last evaluated: 2026-06-24. Review status: criteria provided, single submitter. Criteria: ACMG Guidelines, 2015. Collection method: clinical testing. Allele origin: germline.
Comment: This variant is classified as likely benign based on ACMG/AMP sequence variant interpretation guidelines (Richards et al. 2015 PMID: 25741868, with internal and published modifications).

Blueprint Genetics
Classification: Likely benign. Last evaluated: 2024-09-12. Review status: criteria provided, single submitter. Criteria: ACMG Guidelines, 2015. Collection method: clinical testing. Allele origin: germline.